The following is an entry in ClinVar:

NM_004727.3(SLC24A1):c.1940del (p.Leu647fs)

Gene: SLC24A1 (solute carrier family 24 member 1; plus strand). Cytogenetic location: 15q22.31.
Variant type: Deletion.
Coding change: c.1940del on transcript NM_004727.3 (MANE Select); coding-DNA position 1940, one base deleted (T; older notation c.1940delT).
Protein change: p.Leu647fs; shifts the reading frame from leucine 647.
Molecular consequence: frameshift variant. On other transcripts: intron variant (2).
Genome position (GRCh38, 1-based): chr15:65,638,177, T deleted. VCF-style (leftmost placement, unchanged base first): chr15-65638176-CT-C. GRCh37 (hg19) VCF-style: chr15-65930514-CT-C.
Other names: c.1940del, p.Leu647fs (NM_001301031.1); c.1891-1418del (NM_001301033.2, NM_001301032.1); short protein forms L647fs.
Identifiers: ClinVar variation 2006786 (VCV002006786.4), dbSNP rs2548388039, ClinGen allele CA2580089864.

ClinVar aggregate classification (germline): Pathogenic (1 of 4 stars; one submission).

Submission:

Labcorp Genetics (formerly Invitae), Labcorp
Classification: Pathogenic. Last evaluated: 2022-06-14. Review status: criteria provided, single submitter. Criteria: Invitae Variant Classification Sherloc (09022015). Collection method: clinical testing. Allele origin: germline.
Comment: For these reasons, this variant has been classified as Pathogenic. This variant has not been reported in the literature in individuals affected with SLC24A1-related conditions. This variant is not present in population databases (gnomAD no frequency). This sequence change creates a premature translational stop signal (p.Leu647Argfs*7) in the SLC24A1 gene. It is expected to result in an absent or disrupted protein product. Loss-of-function variants in SLC24A1 are known to be pathogenic (PMID: 20850105, 26822852).

Literature cited by the submitters: PubMed 20850105; PubMed 26822852.